The following is an entry in ClinVar:

ClinVar aggregate classification (germline): Uncertain significance. Review status: criteria provided, multiple submitters, no conflicts (2 of 4 stars). 2 submissions from 2 submitters: Uncertain significance (2). Last evaluated 2025-09-05.

Allele frequency attached by ClinVar (database versions not stated): ExAC 0.00003; gnomAD 0.00003; gnomAD exomes 0.00003; TOPMed 0.00004; ESP Exome Variant Server 0.00008.
gnomAD v4.1: 161 of 1,608,032 alleles (0.01%); highest among the groups gnomAD compares: Non-Finnish European, 0.013%; no homozygotes.

Submissions (2):

Labcorp Genetics (formerly Invitae), Labcorp
Classification: Uncertain significance. Last evaluated: 2025-09-05. Review status: criteria provided, single submitter. Criteria: Invitae Variant Classification Sherloc (09022015). Collection method: clinical testing. Allele origin: germline.
Comment: This sequence change replaces alanine, which is neutral and non-polar, with valine, which is neutral and non-polar, at codon 29 of the MICAL1 protein (p.Ala29Val). This variant is present in population databases (rs201945561, gnomAD 0.006%). This variant has not been reported in the literature in individuals affected with MICAL1-related conditions. ClinVar contains an entry for this variant (Variation ID: 1350117). An algorithm developed to predict the effect of missense changes on protein structure and function (PolyPhen-2) suggests that this variant is likely to be disruptive. In summary, the available evidence is currently insufficient to determine the role of this variant in disease. Therefore, it has been classified as a Variant of Uncertain Significance.

Ambry Genetics
Classification: Uncertain significance. Last evaluated: 2022-05-13. Review status: criteria provided, single submitter. Criteria: Ambry Variant Classification Scheme 2023. Collection method: clinical testing. Allele origin: germline.

NM_022765.4(MICAL1):c.29C>T (p.Ala10Val)

Gene: MICAL1 (microtubule associated monooxygenase, calponin and LIM domain containing 1; minus strand). Cytogenetic location: 6q21.
Variant type: single nucleotide variant.
Coding change: c.29C>T on transcript NM_022765.4 (MANE Select); coding-DNA position 29, C replaced by T.
Protein change: p.Ala10Val; replaces alanine 10 with valine.
Molecular consequence: missense variant.
Genome position (GRCh38, 1-based): chr6:109,454,168, G>A on the plus strand (C>T on the coding strand, the complement: MICAL1 is on the minus strand). VCF-style: chr6-109454168-G-A. GRCh37 (hg19) VCF-style: chr6-109775371-G-A.
Other names: c.29C>T, p.Ala10Val (NM_001159291.2); c.86C>T, p.Ala29Val (NM_001286613.2); c.29C>T (NM_022765.3); short protein forms A10V, A29V.
Identifiers: ClinVar variation 1350117 (VCV001350117.7), dbSNP rs201945561, ClinGen allele CA3953908.